The following is an entry in ClinVar:

NC_000023.10:g.(?_32456348)_(32614003_?)del

Gene: DMD (dystrophin; minus strand). Cytogenetic location: Xp21.1.
Variant type: Deletion.
Identifiers: ClinVar variation 1071522 (VCV001071522.9).

ClinVar aggregate classification (germline): Pathogenic (1 of 4 stars; one submission).

Conditions:
Duchenne muscular dystrophy (DMD). Also called: MUSCULAR DYSTROPHY, PSEUDOHYPERTROPHIC PROGRESSIVE, DUCHENNE TYPE; Duchenne Muscular Dystrophy (DMD). Identifiers: Orphanet 98896, MedGen C0013264, MONDO:0010679, OMIM 310200.

Submission:

Labcorp Genetics (formerly Invitae), Labcorp
Classification: Pathogenic for Duchenne muscular dystrophy. Last evaluated: 2022-03-09. Review status: criteria provided, single submitter. Criteria: Invitae Variant Classification Sherloc (09022015). Collection method: clinical testing. Allele origin: germline.
Comment: For these reasons, this variant has been classified as Pathogenic. A similar copy number variant has been observed in individual(s) with Becker muscular dystrophy (PMID: 9447607). It has also been observed to segregate with disease in related individuals. This variant is a gross deletion of the genomic region encompassing exon(s) 13-29 of the DMD gene. This variant would be expected to be in-frame, preserving the integrity of the reading frame.

Literature cited by the submitters: PubMed 9447607.